The following is an entry in ClinVar:

NM_001080453.3(INTS1):c.2010G>A (p.Ala670=)

Gene: INTS1 (integrator complex subunit 1; minus strand). Cytogenetic location: 7p22.3.
Variant type: single nucleotide variant.
Coding change: c.2010G>A on transcript NM_001080453.3 (MANE Select); coding-DNA position 2010, G replaced by A.
Protein change: p.Ala670=; no amino-acid change (alanine 670 retained).
Molecular consequence: synonymous variant.
Genome position (GRCh38, 1-based): chr7:1,493,812, C>T on the plus strand (G>A on the coding strand, the complement: INTS1 is on the minus strand). VCF-style: chr7-1493812-C-T. GRCh37 (hg19) VCF-style: chr7-1533448-C-T.
Identifiers: ClinVar variation 3257024 (VCV003257024.17).

ClinVar aggregate classification (germline): Likely benign (1 of 4 stars; one submission).

gnomAD v4.1: 13 of 1,575,714 alleles (0.00083%); highest among the groups gnomAD compares: African/African-American, 0.0027%; no homozygotes.

Submission:

CeGaT Center for Human Genetics Tuebingen
Classification: Likely benign. Last evaluated: 2024-07-01. Review status: criteria provided, single submitter. Criteria: CeGaT Center For Human Genetics Tuebingen Variant Classification Criteria Version 2. Collection method: clinical testing. Allele origin: germline. Affected: yes. Observed: 1 variant allele.
Comment: INTS1: BP4, BP7